The following is an entry in ClinVar:

NM_000268.4(NF2):c.1543A>T (p.Lys515Ter)

Gene: NF2 (NF2, moesin-ezrin-radixin like (MERLIN) tumor suppressor; plus strand). Cytogenetic location: 22q12.2.
Variant type: single nucleotide variant.
Coding change: c.1543A>T on transcript NM_000268.4 (MANE Select); coding-DNA position 1543, A replaced by T.
Protein change: p.Lys515Ter; replaces lysine 515 with a stop codon.
Molecular consequence: nonsense. On other transcripts: non-coding transcript variant (1), intron variant (1).
Genome position (GRCh38, 1-based): chr22:29,678,292, A>T. VCF-style: chr22-29678292-A-T. GRCh37 (hg19) VCF-style: chr22-30074281-A-T.
Other names: c.1429A>T, p.Lys477Ter (NM_001407053.1, NM_001407056.1); c.1420A>T, p.Lys474Ter (NM_001407054.1, NM_001407058.1, NM_181829.3); c.1417A>T, p.Lys473Ter (NM_001407055.1, NM_181828.3); c.1408A>T, p.Lys470Ter (NM_001407057.1, NM_001407059.1); c.1543A>T, p.Lys515Ter (NM_001407060.1, NM_001407066.1, NM_016418.5 and 2 more transcripts); c.1285A>T, p.Lys429Ter (NM_001407062.1); c.1294A>T, p.Lys432Ter (NM_001407063.1, NM_001407064.1, NM_181830.3 and 1 more transcripts); c.1009A>T, p.Lys337Ter (NM_001407065.1); and 2 more; short protein forms K337*, K429*, K432*, K438*, K470*, K473*, K474*, K477*.
Identifiers: ClinVar variation 3234778 (VCV003234778.22), dbSNP rs2518713289, ClinGen allele CA411149746.
Genomic context (GRCh38, chr22:29,678,292, plus strand): 5'-ATACCAAGCTTCAACCTCATTGGTGACAGCCTGTCTTTCGACTTCAAAGATACTGACATG[A>T]AGCGGCTTTCCATGGAGATAGAGAAAGAAAAGTATGTAGCCCCCTGTGCCCTGCTGTGGG-3'

ClinVar aggregate classification (germline): Pathogenic. Review status: criteria provided, multiple submitters, no conflicts (2 of 4 stars). 2 submissions from 2 submitters: Pathogenic (2). Last evaluated 2024-04-01.

Conditions:
Neurofibromatosis, type 2 (SWNV). Also called: BILATERAL ACOUSTIC NEUROFIBROMATOSIS; NF2-Related Schwannomatosis; SCHWANNOMATOSIS, VESTIBULAR. Identifiers: Orphanet 637, MedGen C0027832, MONDO:0007039, OMIM 101000. Disease mechanism: loss of function.

Submissions (2):

CeGaT Center for Human Genetics Tuebingen
Classification: Pathogenic. Last evaluated: 2024-04-01. Review status: criteria provided, single submitter. Criteria: CeGaT Center For Human Genetics Tuebingen Variant Classification Criteria Version 2. Collection method: clinical testing. Allele origin: germline. Affected: yes. Observed: 1 variant allele.
Comment: NF2: PVS1, PM2

Labcorp Genetics (formerly Invitae), Labcorp
Classification: Pathogenic for Neurofibromatosis, type 2. Last evaluated: 2024-03-20. Review status: criteria provided, single submitter. Criteria: Invitae Variant Classification Sherloc (09022015). Collection method: clinical testing. Allele origin: germline.
Comment: This sequence change creates a premature translational stop signal (p.Lys515*) in the NF2 gene. It is expected to result in an absent or disrupted protein product. Loss-of-function variants in NF2 are known to be pathogenic (PMID: 9643284, 16983642). This variant is not present in population databases (gnomAD no frequency). This variant has not been reported in the literature in individuals affected with NF2-related conditions. For these reasons, this variant has been classified as Pathogenic.

Literature cited by the submitters: PubMed 9643284 (cited by Labcorp Genetics (formerly Invitae), Labcorp); PubMed 16983642 (cited by Labcorp Genetics (formerly Invitae), Labcorp).